The following is an entry in ClinVar:

NM_001374385.1(ATP8B1):c.297A>T (p.Thr99=)

Gene: ATP8B1 (ATPase phospholipid transporting 8B1; minus strand). Cytogenetic location: 18q21.31.
Variant type: single nucleotide variant.
Coding change: c.297A>T on transcript NM_001374385.1 (MANE Select); coding-DNA position 297, A replaced by T.
Protein change: p.Thr99=; no amino-acid change (threonine 99 retained).
Molecular consequence: synonymous variant.
Genome position (GRCh38, 1-based): chr18:57,704,651, T>A on the plus strand (A>T on the coding strand, the complement: ATP8B1 is on the minus strand). VCF-style: chr18-57704651-T-A. GRCh37 (hg19) VCF-style: chr18-55371883-T-A.
Other names: c.297A>T (NM_005603.4); c.147A>T, p.Thr49= (NM_001374386.1); c.297A>T, p.Thr99= (NM_005603.6).
Identifiers: ClinVar variation 281797 (VCV000281797.9), dbSNP rs575921074, ClinGen allele CA8974890.

ClinVar aggregate classification (germline): Conflicting classifications of pathogenicity. Review status: criteria provided, conflicting classifications (1 of 4 stars). 3 submissions from 3 submitters: Uncertain significance (1); Likely benign (2). Last evaluated 2026-05-04.

Conditions:
ATP8B1-related disorder. Also called: ATP8B1-related condition; ATP8B1-related disorders.

Allele frequency attached by ClinVar (database versions not stated): gnomAD exomes below 0.00001 and 0.00002; ExAC 0.00002; gnomAD 0.00005 and 0.00006; TOPMed 0.00006; 1000 Genomes Project 30x 0.00016; 1000 Genomes Project 0.00020.
gnomAD v4.1: 12 of 1,602,802 alleles (0.00075%); highest among the groups gnomAD compares: African/African-American, 0.015%; no homozygotes.

Submissions (3):

PreventionGenetics, part of Exact Sciences
Classification: Likely benign for ATP8B1-related condition. Last evaluated: 2026-05-04. Review status: criteria provided, single submitter. Criteria: ACMG Guidelines, 2015. Collection method: clinical testing. Allele origin: germline.
Comment: This variant is classified as likely benign based on ACMG/AMP sequence variant interpretation guidelines (Richards et al. 2015 PMID: 25741868, with internal and published modifications).

Labcorp Genetics (formerly Invitae), Labcorp
Classification: Likely benign. Last evaluated: 2023-11-10. Review status: criteria provided, single submitter. Criteria: Invitae Variant Classification Sherloc (09022015). Collection method: clinical testing. Allele origin: germline.

Eurofins Ntd Llc (ga)
Classification: Uncertain significance. Last evaluated: 2018-03-19. Review status: criteria provided, single submitter. Criteria: EGL ClinVar v180209 classification definitions. Collection method: clinical testing. Allele origin: germline. Observed: 2 variant alleles, 2 heterozygotes.